The following is an entry in ClinVar:

NM_001042492.3(NF1):c.5007T>C (p.Phe1669=)

Gene: NF1 (neurofibromin 1; plus strand). Cytogenetic location: 17q11.2.
Variant type: single nucleotide variant.
Coding change: c.5007T>C on transcript NM_001042492.3 (MANE Select); coding-DNA position 5007, T replaced by C.
Protein change: p.Phe1669=; no amino-acid change (phenylalanine 1669 retained).
Molecular consequence: synonymous variant.
Genome position (GRCh38, 1-based): chr17:31,325,991, T>C. VCF-style: chr17-31325991-T-C. GRCh37 (hg19) VCF-style: chr17-29653009-T-C.
Other names: c.4944T>C, p.Phe1648= (NM_000267.4).
Identifiers: ClinVar variation 231833 (VCV000231833.15), dbSNP rs761807609, ClinGen allele CA8487126.

ClinVar aggregate classification (germline): Benign/Likely benign. Review status: criteria provided, multiple submitters, no conflicts (2 of 4 stars). 5 submissions from 5 submitters: Benign (1); Likely benign (3). 1 of the submissions does not count toward it. Last evaluated 2026-05-20.

Conditions:
NF1-related disorder. Also called: NF1-related condition. Identifiers: MedGen CN379171.
Hereditary cancer-predisposing syndrome. Also called: Hereditary neoplastic syndrome; Neoplastic Syndromes, Hereditary; Hereditary Cancer Syndrome; Tumor predisposition. Identifiers: Orphanet 140162, MedGen C0027672, MeSH D009386, MONDO:0015356.
Neurofibromatosis, type 1 (NF1). Also called: NEUROFIBROMATOSIS, TYPE I, SOMATIC; Neurofibromatosis, type I; VON RECKLINGHAUSEN DISEASE; Peripheral type neurofibromatosis. Identifiers: Orphanet 636, MedGen C0027831, MONDO:0018975, OMIM 162200. Disease mechanism: loss of function.

Allele frequency attached by ClinVar (database versions not stated): gnomAD exomes below 0.00001 and 0.00001; ExAC 0.00001; gnomAD 0.00001; TOPMed below 0.00001.
gnomAD v4.1: 10 of 1,614,126 alleles (0.00062%); highest among the groups gnomAD compares: Non-Finnish European, 0.00068%; no homozygotes.

Submissions (5):

Myriad Genetics, Inc.
Classification: Benign for Neurofibromatosis, type 1. Last evaluated: 2026-05-20. Review status: criteria provided, single submitter. Criteria: Myriad Autosomal Dominant, Autosomal Recessive and X-Linked Classification Criteria (2023). Collection method: clinical testing. Allele origin: unknown.
Comment: This variant is considered benign. This variant is a silent/synonymous amino acid change and it is not expected to impact splicing.

Labcorp Genetics (formerly Invitae), Labcorp
Classification: Likely benign for Neurofibromatosis, type 1. Last evaluated: 2026-01-31. Review status: criteria provided, single submitter. Criteria: Invitae Variant Classification Sherloc (09022015). Collection method: clinical testing. Allele origin: germline.

Genome-Nilou Lab
Classification: Likely benign for Neurofibromatosis, type 1. Last evaluated: 2022-03-15. Review status: criteria provided, single submitter. Criteria: ACMG Guidelines, 2015. Collection method: clinical testing. Allele origin: germline. Affected: no.

Ambry Genetics
Classification: Likely benign for Hereditary cancer-predisposing syndrome. Last evaluated: 2015-05-12. Review status: criteria provided, single submitter. Criteria: Ambry Autosomal Dominant and X-Linked criteria (10/2015). Collection method: clinical testing. Allele origin: germline. Observed: 1 variant allele.

PreventionGenetics, part of Exact Sciences
Classification: Likely benign for NF1-related condition. Last evaluated: 2024-05-03. Review status: no assertion criteria provided. Collection method: clinical testing. Allele origin: germline. Not counted in ClinVar's aggregate classification.
Comment: This variant is classified as likely benign based on ACMG/AMP sequence variant interpretation guidelines (Richards et al. 2015 PMID: 25741868, with internal and published modifications).